The following is an entry in ClinVar:

ClinVar aggregate classification (germline): Uncertain significance (1 of 4 stars; one submission).

gnomAD v4.1: 2 of 1,613,094 alleles (0.00012%); highest among the groups gnomAD compares: Non-Finnish European, 0.00017%; no homozygotes.

Submission:

Labcorp Genetics (formerly Invitae), Labcorp
Classification: Uncertain significance. Last evaluated: 2025-11-28. Review status: criteria provided, single submitter. Criteria: Invitae Variant Classification Sherloc (09022015). Collection method: clinical testing. Allele origin: germline.
Comment: This sequence change replaces arginine, which is basic and polar, with proline, which is neutral and non-polar, at codon 2124 of the PIEZO2 protein (p.Arg2124Pro). This variant is present in population databases (no rsID available, gnomAD 0.0009%). This variant has not been reported in the literature in individuals affected with PIEZO2-related conditions. Invitae Evidence Modeling of protein sequence and biophysical properties (such as structural, functional, and spatial information, amino acid conservation, physicochemical variation, residue mobility, and thermodynamic stability) indicates that this missense variant is not expected to disrupt PIEZO2 protein function with a negative predictive value of 80%. In summary, the available evidence is currently insufficient to determine the role of this variant in disease. Therefore, it has been classified as a Variant of Uncertain Significance.

NM_001378183.1(PIEZO2):c.6710G>C (p.Arg2237Pro)

Gene: PIEZO2 (piezo type mechanosensitive ion channel component 2; minus strand). Cytogenetic location: 18p11.22.
Variant type: single nucleotide variant.
Coding change: c.6710G>C on transcript NM_001378183.1 (MANE Select); coding-DNA position 6710, G replaced by C.
Protein change: p.Arg2237Pro; replaces arginine 2237 with proline.
Molecular consequence: missense variant.
Genome position (GRCh38, 1-based): chr18:10,697,865, C>G on the plus strand (G>C on the coding strand, the complement: PIEZO2 is on the minus strand). VCF-style: chr18-10697865-C-G. GRCh37 (hg19) VCF-style: chr18-10697863-C-G.
Other names: c.6446G>C, p.Arg2149Pro (NM_001410871.1); c.6371G>C, p.Arg2124Pro (NM_022068.4); short protein forms R2124P, R2149P, R2237P.
Identifiers: ClinVar variation 4743047 (VCV004743047.1).